The following is an entry in ClinVar:

ClinVar aggregate classification (germline): Uncertain significance (1 of 4 stars; one submission).

Conditions:
Charcot-Marie-Tooth disease type 4. Also called: Charcot-Marie-Tooth disease, type IV; Charcot-Marie-Tooth, Type 4. Identifiers: Orphanet 64749, MedGen C4082197, MONDO:0018995.

Allele frequency attached by ClinVar (database versions not stated): gnomAD 0.00001; ExAC 0.00002.
gnomAD v4.1: 7 of 1,614,082 alleles (0.00043%); highest among the groups gnomAD compares: African/African-American, 0.0013%; no homozygotes.

Submission:

Labcorp Genetics (formerly Invitae), Labcorp
Classification: Uncertain significance for Charcot-Marie-Tooth disease type 4. Last evaluated: 2023-04-11. Review status: criteria provided, single submitter. Criteria: Invitae Variant Classification Sherloc (09022015). Collection method: clinical testing. Allele origin: germline.
Comment: The frequency data for this variant in the population databases is considered unreliable, as metrics indicate poor data quality at this position in the gnomAD database. This sequence change replaces lysine, which is basic and polar, with glutamic acid, which is acidic and polar, at codon 765 of the SBF2 protein (p.Lys765Glu). This variant has not been reported in the literature in individuals affected with SBF2-related conditions. In summary, the available evidence is currently insufficient to determine the role of this variant in disease. Therefore, it has been classified as a Variant of Uncertain Significance. Advanced modeling of protein sequence and biophysical properties (such as structural, functional, and spatial information, amino acid conservation, physicochemical variation, residue mobility, and thermodynamic stability) performed at Invitae indicates that this missense variant is not expected to disrupt SBF2 protein function. ClinVar contains an entry for this variant (Variation ID: 2077376).

NM_030962.4(SBF2):c.2293A>G (p.Lys765Glu)

Genes: SBF2 (SET binding factor 2; minus strand), LOC101928008 (uncharacterized LOC101928008; plus strand). Cytogenetic location: 11p15.4.
Variant type: single nucleotide variant.
Coding change: c.2293A>G on transcript NM_030962.4 (MANE Select); coding-DNA position 2293, A replaced by G.
Protein change: p.Lys765Glu; replaces lysine 765 with glutamic acid.
Molecular consequence: missense variant.
Genome position (GRCh38, 1-based): chr11:9,856,528, T>C on the plus strand (A>G on the coding strand, the complement: SBF2 is on the minus strand). VCF-style: chr11-9856528-T-C. GRCh37 (hg19) VCF-style: chr11-9878075-T-C.
Other names: c.2293A>G, p.Lys765Glu (NM_001386339.1); c.2164A>G, p.Lys722Glu (NM_001386342.1); short protein forms K765E, K722E.
Identifiers: ClinVar variation 2077376 (VCV002077376.2), dbSNP rs752094261, ClinGen allele CA5881595.